The following is an entry in ClinVar:

ClinVar aggregate classification (germline): Benign/Likely benign. Review status: criteria provided, multiple submitters, no conflicts (2 of 4 stars). 9 submissions from 9 submitters: Benign (2); Likely benign (5). 2 of the submissions do not count toward it. Last evaluated 2026-04-01.

Conditions:
Pontocerebellar hypoplasia type 6 (PCH6). Identifiers: Orphanet 166073, MedGen C1969084, MONDO:0012683, OMIM 611523.

Allele frequency attached by ClinVar (database versions not stated): gnomAD exomes 0.00024; TOPMed 0.00281; ESP Exome Variant Server 0.00292; 1000 Genomes Project 30x 0.00312; 1000 Genomes Project 0.00319.
gnomAD v4.1: 733 of 1,614,210 alleles (0.045%); highest among the groups gnomAD compares: African/African-American, 0.88%; 4 homozygotes.

Submissions (9):

CeGaT Center for Human Genetics Tuebingen
Classification: Likely benign. Last evaluated: 2026-04-01. Review status: criteria provided, single submitter. Criteria: CeGaT Center For Human Genetics Tuebingen Variant Classification Criteria Version 2. Collection method: clinical testing. Allele origin: germline. Affected: yes. Observed: 2 variant alleles.
Comment: RARS2: BP4, BP7

Labcorp Genetics (formerly Invitae), Labcorp
Classification: Benign. Last evaluated: 2026-01-25. Review status: criteria provided, single submitter. Criteria: Invitae Variant Classification Sherloc (09022015). Collection method: clinical testing. Allele origin: germline.

Blueprint Genetics
Classification: Likely benign. Last evaluated: 2024-10-09. Review status: criteria provided, single submitter. Criteria: ACMG Guidelines, 2015. Collection method: clinical testing. Allele origin: germline.

Illumina Laboratory Services, Illumina
Classification: Likely benign for Pontocerebellar hypoplasia type 6. Last evaluated: 2018-01-13. Review status: criteria provided, single submitter. Criteria: ICSL Variant Classification Criteria 13 December 2019. Collection method: clinical testing. Allele origin: germline.
Comment: This variant was observed in the ICSL laboratory as part of a predisposition screen in an ostensibly healthy population. It had not been previously curated by ICSL or reported in the Human Gene Mutation Database (HGMD: prior to June 1st, 2018), and was therefore a candidate for classification through an automated scoring system. Utilizing variant allele frequency, disease prevalence and penetrance estimates, and inheritance mode, an automated score was calculated to assess if this variant is too frequent to cause the disease. Based on the score and internal cut-off values, a variant classified as likely benign is not then subjected to further curation. The score for this variant resulted in a classification of likely benign for this disease.

Genetic Services Laboratory, University of Chicago
Classification: Likely benign. Last evaluated: 2018-01-08. Review status: criteria provided, single submitter. Criteria: ACMG Guidelines, 2015. Collection method: clinical testing. Allele origin: germline. Affected: no.

GeneDx
Classification: Benign. Last evaluated: 2015-04-13. Review status: criteria provided, single submitter. Criteria: GeneDx Variant Classification (06012015). Collection method: clinical testing. Allele origin: germline. Affected: yes.
Comment: This variant is considered likely benign or benign based on one or more of the following criteria: it is a conservative change, it occurs at a poorly conserved position in the protein, it is predicted to be benign by multiple in silico algorithms, and/or has population frequency not consistent with disease.

Breakthrough Genomics
Classification: Likely benign. Review status: criteria provided, single submitter. Criteria: ACMG Guidelines, 2015. Collection method: not provided. Allele origin: germline. Inheritance: Autosomal recessive inheritance. Affected: yes.

Natera, Inc.
Classification: Benign for Pontocerebellar hypoplasia, type 6. Last evaluated: 2020-09-16. Review status: no assertion criteria provided. Collection method: clinical testing. Allele origin: germline. Not counted in ClinVar's aggregate classification.

Department of Pathology and Laboratory Medicine, Sinai Health System
Classification: Benign. Review status: no assertion criteria provided. Collection method: clinical testing. Allele origin: unknown. Affected: yes. Study: The Canadian Open Genetics Repository (COGR). Not counted in ClinVar's aggregate classification.
Comment: The RARS2 p.Gln67Gln variant was not identified in the literature nor was it identified in Cosmic or LOVD 3.0. The variant was identified in dbSNP (ID: rs145499324) and ClinVar (classified as a VUS by Genetics Services Laboratory, University of Chicago and as benign by GeneDx). The variant was identified in control databases in 242 of 282890 chromosomes (1 homozygous) at a frequency of 0.000855 increasing the likelihood this could be a low frequency benign variant (Genome Aggregation Database Feb 27, 2017). The variant was observed in the following populations: African in 227 of 24970 chromosomes (freq: 0.009091), Latino in 11 of 35440 chromosomes (freq: 0.00031), Other in 1 of 7228 chromosomes (freq: 0.000138), South Asian in 1 of 30616 chromosomes (freq: 0.000033) and European (non-Finnish) in 2 of 129194 chromosomes (freq: 0.000015), while the variant was not observed in the Ashkenazi Jewish, East Asian or European (Finnish) populations. The p.Gln67Gln variant is not expected to have clinical significance because it does not result in a change of amino acid and is not located in a known consensus splice site. The variant occurs outside of the splicing consensus sequence and 2 of 4 in silico or computational prediction software programs (SpliceSiteFinder, MaxEntScan) predict a greater than 10% difference in splicing; this is not very predictive of pathogenicity. In summary, based on the above information this variant meets our laboratory's criteria to be classified as benign.

NM_020320.5(RARS2):c.726A>G (p.Gln242=)

Gene: RARS2 (arginyl-tRNA synthetase 2, mitochondrial; minus strand). Cytogenetic location: 6q15.
Variant type: single nucleotide variant.
Coding change: c.726A>G on transcript NM_020320.5 (MANE Select); coding-DNA position 726, A replaced by G.
Protein change: p.Gln242=; no amino-acid change (glutamine 242 retained).
Molecular consequence: synonymous variant. On other transcripts: non-coding transcript variant (23).
Genome position (GRCh38, 1-based): chr6:87,530,829, T>C on the plus strand (A>G on the coding strand, the complement: RARS2 is on the minus strand). VCF-style: chr6-87530829-T-C. GRCh37 (hg19) VCF-style: chr6-88240547-T-C.
Other names: c.201A>G, p.Gln67= (NM_001350511.2, NM_001318785.2, NM_001350506.2 and 4 more transcripts); c.726A>G, p.Gln242= (NM_001350505.2).
Identifiers: ClinVar variation 212017 (VCV000212017.31), dbSNP rs145499324, ClinGen allele CA205537.